The following is an entry in ClinVar:

NM_016203.4(PRKAG2):c.1007T>C (p.Val336Ala)

Gene: PRKAG2 (protein kinase AMP-activated non-catalytic subunit gamma 2; minus strand). Cytogenetic location: 7q36.1.
Variant type: single nucleotide variant.
Coding change: c.1007T>C on transcript NM_016203.4 (MANE Select); coding-DNA position 1007, T replaced by C.
Protein change: p.Val336Ala; replaces valine 336 with alanine.
Molecular consequence: missense variant.
Genome position (GRCh38, 1-based): chr7:151,572,708, A>G on the plus strand (T>C on the coding strand, the complement: PRKAG2 is on the minus strand). VCF-style: chr7-151572708-A-G. GRCh37 (hg19) VCF-style: chr7-151269794-A-G.
Other names: c.875T>C, p.Val292Ala (NM_001040633.2); c.632T>C, p.Val211Ala (NM_001304527.2); c.284T>C, p.Val95Ala (NM_001304531.2, NM_024429.2); c.635T>C, p.Val212Ala (NM_001363698.2); short protein forms V336A, V95A, V292A, V211A, V212A.
Identifiers: ClinVar variation 1452050 (VCV001452050.8), dbSNP rs2151024166, ClinGen allele CA370072200.

ClinVar aggregate classification (germline): Pathogenic (1 of 4 stars; one submission).

Conditions:
Lethal congenital glycogen storage disease of heart. Also called: PHOSPHORYLASE KINASE DEFICIENCY OF HEART; GLYCOGEN STORAGE DISEASE OF HEART. Identifiers: Orphanet 439854, MedGen C1849813, MONDO:0009867, OMIM 261740.

Submission:

Labcorp Genetics (formerly Invitae), Labcorp
Classification: Pathogenic for Lethal congenital glycogen storage disease of heart. Last evaluated: 2021-06-30. Review status: criteria provided, single submitter. Criteria: Invitae Variant Classification Sherloc (09022015). Collection method: clinical testing. Allele origin: germline.
Comment: This variant disrupts the p.Val336 amino acid residue in PRKAG2. Other variant(s) that disrupt this residue have been observed in individuals with PRKAG2-related conditions (PMID: 28546535), which suggests that this may be a clinically significant amino acid residue. For these reasons, this variant has been classified as Pathogenic. Algorithms developed to predict the effect of missense changes on protein structure and function (SIFT, PolyPhen-2, Align-GVGD) all suggest that this variant is likely to be tolerated. This sequence change replaces valine with alanine at codon 336 of the PRKAG2 protein (p.Val336Ala). The valine residue is moderately conserved and there is a small physicochemical difference between valine and alanine. This variant is not present in population databases (ExAC no frequency). This variant has been observed in individual(s) with hypertrophic cardiomyopathy (PMID: 28431061; Invitae). In at least one individual the variant was observed to be de novo. It has also been observed to segregate with disease in related individuals.

Literature cited by the submitters: PubMed 28546535; PubMed 28431061.